The following is an entry in ClinVar:

NM_000093.5(COL5A1):c.3868G>A (p.Ala1290Thr)

Gene: COL5A1 (collagen type V alpha 1 chain; plus strand). Cytogenetic location: 9q34.3.
Variant type: single nucleotide variant.
Coding change: c.3868G>A on transcript NM_000093.5 (MANE Select); coding-DNA position 3868, G replaced by A.
Protein change: p.Ala1290Thr; replaces alanine 1290 with threonine.
Molecular consequence: missense variant.
Genome position (GRCh38, 1-based): chr9:134,813,998, G>A. VCF-style: chr9-134813998-G-A. GRCh37 (hg19) VCF-style: chr9-137705844-G-A.
Other names: p.A1290T:GCA>ACA; c.3868G>A, p.Ala1290Thr (NM_001278074.1); short protein forms A1290T.
Identifiers: ClinVar variation 212967 (VCV000212967.35), dbSNP rs863223451, ClinGen allele CA319975.

ClinVar aggregate classification (germline): Conflicting classifications of pathogenicity. Review status: criteria provided, conflicting classifications (1 of 4 stars). 6 submissions from 6 submitters: Uncertain significance (3); Benign (1); Likely benign (2). Last evaluated 2025-12-16.

Conditions:
Ehlers-Danlos syndrome (EDS). Identifiers: Orphanet 98249, MedGen C0013720, MONDO:0020066.
COL5A1-related disorder. Also called: COL5A1-related condition.
Ehlers-Danlos syndrome, classic type, 1 (EDSCL1). Also called: EHLERS-DANLOS SYNDROME, GRAVIS TYPE; EHLERS-DANLOS SYNDROME, SEVERE CLASSIC TYPE; Ehlers-Danlos syndrome, type 1; Ehlers-Danlos Syndrome, Classic Type, COL5A1-Related; EDS I. Identifiers: MedGen C0268335, MONDO:0019567, OMIM 130000.
Familial thoracic aortic aneurysm and aortic dissection (TAAD). Also called: Thoracic aortic aneurysms and dissections. Identifiers: Orphanet 91387, MedGen C4707243, MONDO:0019625.

Allele frequency attached by ClinVar (database versions not stated): gnomAD 0.00001; gnomAD exomes 0.00001 and 0.00002; TOPMed 0.00002.
gnomAD v4.1: 22 of 1,550,966 alleles (0.0014%); highest among the groups gnomAD compares: East Asian, 0.0049%; no homozygotes.

Submissions (6):

Labcorp Genetics (formerly Invitae), Labcorp
Classification: Benign for Ehlers-Danlos syndrome, classic type, 1. Last evaluated: 2025-12-16. Review status: criteria provided, single submitter. Criteria: Invitae Variant Classification Sherloc (09022015). Collection method: clinical testing. Allele origin: germline.

PreventionGenetics, part of Exact Sciences
Classification: Uncertain significance for COL5A1-related condition. Last evaluated: 2024-11-07. Review status: criteria provided, single submitter. Criteria: ACMG Guidelines, 2015. Collection method: clinical testing. Allele origin: germline.
Comment: The COL5A1 c.3868G>A variant is predicted to result in the amino acid substitution p.Ala1290Thr. To our knowledge, this variant has not been reported in the literature. This variant is reported in 0.0040% of alleles in individuals of Latino descent in gnomAD. At this time, the clinical significance of this variant is uncertain due to the absence of conclusive functional and genetic evidence.

CeGaT Center for Human Genetics Tuebingen
Classification: Likely benign. Last evaluated: 2024-08-01. Review status: criteria provided, single submitter. Criteria: CeGaT Center For Human Genetics Tuebingen Variant Classification Criteria Version 2. Collection method: clinical testing. Allele origin: germline. Affected: yes. Observed: 1 variant allele.
Comment: COL5A1: BP4

Genome Diagnostics Laboratory, The Hospital for Sick Children
Classification: Likely benign for Ehlers-Danlos syndrome. Last evaluated: 2022-04-20. Review status: criteria provided, single submitter. Criteria: ACMG Guidelines, 2015. Collection method: clinical testing. Allele origin: germline.

Ambry Genetics
Classification: Uncertain significance for Familial thoracic aortic aneurysm and aortic dissection. Last evaluated: 2015-07-12. Review status: criteria provided, single submitter. Criteria: Ambry Variant Classification Scheme 2023. Collection method: clinical testing. Allele origin: germline.
Comment: The p.A1290T variant (also known as c.3868G>A), located in coding exon 49 of the COL5A1 gene, results from a G to A substitution at nucleotide position 3868. The alanine at codon 1290 is replaced by threonine, an amino acid with similar properties. This variant was not reported in population based cohorts in the following databases: Database of Single Nucleotide Polymorphisms (dbSNP), NHLBI Exome Sequencing Project (ESP), and 1000 Genomes Project. In the ESP, this variant was not observed in 6049 samples (12098 alleles) with coverage at this position. This amino acid position is not well conserved in available vertebrate species. In addition, this alteration is predicted to be tolerated by in silico analysis. Since supporting evidence is limited at this time, the clinical significance of this variant remains unclear.

GeneDx
Classification: Uncertain significance. Last evaluated: 2014-08-13. Review status: criteria provided, single submitter. Criteria: GeneDx Variant Classification (06012015). Collection method: clinical testing. Allele origin: germline. Affected: yes.
Comment: The A1290T variant has not been published as a mutation, nor has it been reported as a benign polymorphism to our knowledge. The A1290T variant was not observed in approximately 6,000 individuals of European and African American ancestry in the NHLBI Exome Sequencing Project, indicating it is not a common benign variant in these populations. The A1290T variant is a non-conservative amino acid substitution, which is likely to impact secondary protein structure as these residues differ in polarity, charge, size and/or other properties. This substitution occurs at a position that is conserved in mammals. Moreover, a missense mutations in a nearby residue (E1292K) has been reported in association with EDS, supporting the functional importance of this region of the protein. Nevertheless, in silico analysis is inconsistent in its predictions as to whether or not the variant is damaging to the protein structure/function. Based on the currently available clinical and molecular information, it is unclear whether this variant is a pathogenic mutation or a rare benign variant.This variant was found in COL5A1,TAAD